The following is an entry in ClinVar:

ClinVar aggregate classification (germline): Uncertain significance (1 of 4 stars; one submission).

Conditions:
Progressive myoclonic epilepsy type 7. Identifiers: Orphanet 435438, MedGen C4015420, MONDO:0014521, OMIM 616187.

Submission:

Labcorp Genetics (formerly Invitae), Labcorp
Classification: Uncertain significance for Progressive myoclonic epilepsy type 7. Last evaluated: 2022-07-26. Review status: criteria provided, single submitter. Criteria: Invitae Variant Classification Sherloc (09022015). Collection method: clinical testing. Allele origin: germline.
Comment: This sequence change replaces glycine, which is neutral and non-polar, with alanine, which is neutral and non-polar, at codon 424 of the KCNC1 protein (p.Gly424Ala). This variant is not present in population databases (gnomAD no frequency). This variant has not been reported in the literature in individuals affected with KCNC1-related conditions. Advanced modeling of protein sequence and biophysical properties (such as structural, functional, and spatial information, amino acid conservation, physicochemical variation, residue mobility, and thermodynamic stability) performed at Invitae indicates that this missense variant is expected to disrupt KCNC1 protein function. In summary, the available evidence is currently insufficient to determine the role of this variant in disease. Therefore, it has been classified as a Variant of Uncertain Significance.

NM_001112741.2(KCNC1):c.1271G>C (p.Gly424Ala)

Gene: KCNC1 (potassium voltage-gated channel subfamily C member 1; plus strand). Cytogenetic location: 11p15.1.
Variant type: single nucleotide variant.
Coding change: c.1271G>C on transcript NM_001112741.2 (MANE Select); coding-DNA position 1271, G replaced by C.
Protein change: p.Gly424Ala; replaces glycine 424 with alanine.
Molecular consequence: missense variant.
Genome position (GRCh38, 1-based): chr11:17,772,365, G>C. VCF-style: chr11-17772365-G-C. GRCh37 (hg19) VCF-style: chr11-17793912-G-C.
Other names: c.1271G>C, p.Gly424Ala (NM_004976.4); short protein forms G424A.
Identifiers: ClinVar variation 2126044 (VCV002126044.4), dbSNP rs2497801112, ClinGen allele CA379808903.